The following is an entry in ClinVar:

NM_000064.4(C3):c.4767G>A (p.Lys1589=)

Gene: C3 (complement C3; minus strand). Cytogenetic location: 19p13.3.
Variant type: single nucleotide variant.
Coding change: c.4767G>A on transcript NM_000064.4 (MANE Select); coding-DNA position 4767, G replaced by A.
Protein change: p.Lys1589=; no amino-acid change (lysine 1589 retained).
Molecular consequence: synonymous variant.
Genome position (GRCh38, 1-based): chr19:6,678,235, C>T on the plus strand (G>A on the coding strand, the complement: C3 is on the minus strand). VCF-style: chr19-6678235-C-T. GRCh37 (hg19) VCF-style: chr19-6678246-C-T.
Other names: p.Lys1589=; c.4767G>A (LRG_27t1).
Identifiers: ClinVar variation 330275 (VCV000330275.51), dbSNP rs144589541, ClinGen allele CA9128262.

ClinVar aggregate classification (germline): Conflicting classifications of pathogenicity. Review status: criteria provided, conflicting classifications (1 of 4 stars). 8 submissions from 6 submitters: Uncertain significance (1); Benign (2); Likely benign (5). Last evaluated 2026-01-24.

Conditions:
Age related macular degeneration 9. Identifiers: MedGen C1969651, MONDO:0012659, OMIM 611378.
Atypical hemolytic-uremic syndrome with C3 anomaly. Also called: AHUS, SUSCEPTIBILITY TO, 5. Identifiers: Orphanet 2134, MedGen C2752037, MONDO:0013043, OMIM 612925.
Complement component 3 deficiency. Identifiers: Orphanet 280133, MedGen C3151071, MONDO:0013417, OMIM 613779.

Allele frequency attached by ClinVar (database versions not stated): gnomAD exomes 0.00011 and 0.00024; ExAC 0.00027; gnomAD 0.00075 and 0.00083; 1000 Genomes Project 30x 0.00078; 1000 Genomes Project 0.00080; TOPMed 0.00083; ESP Exome Variant Server 0.00100.
gnomAD v4.1: 291 of 1,614,186 alleles (0.018%); highest among the groups gnomAD compares: African/African-American, 0.25%; no homozygotes.

Submissions (8):

Labcorp Genetics (formerly Invitae), Labcorp
Classification: Benign. Last evaluated: 2026-01-24. Review status: criteria provided, single submitter. Criteria: Invitae Variant Classification Sherloc (09022015). Collection method: clinical testing. Allele origin: germline.

Mayo Clinic Laboratories, Mayo Clinic
Classification: Likely benign. Last evaluated: 2025-12-18. Review status: criteria provided, single submitter. Criteria: ACMG Guidelines, 2015. Collection method: clinical testing. Allele origin: germline. Observed: 4 variant alleles.
Comment: BP4, BP7

Blueprint Genetics
Classification: Likely benign. Last evaluated: 2024-05-28. Review status: criteria provided, single submitter. Criteria: ACMG Guidelines, 2015. Collection method: clinical testing. Allele origin: germline.

Women's Health and Genetics/Laboratory Corporation of America, LabCorp
Classification: Likely benign. Last evaluated: 2024-01-18. Review status: criteria provided, single submitter. Criteria: LabCorp Variant Classification Summary - May 2015. Collection method: clinical testing. Allele origin: germline.
Comment: Variant summary: C3 c.4767G>A alters a conserved nucleotide resulting in a synonymous change. The variant allele was found at a frequency of 0.00024 in 251476 control chromosomes, predominantly in the African or African-American population at a frequency of 0.003 in 16256 control chromosomes (gnomAD). To our knowledge, no occurrence of c.4767G>A in individuals affected with age-related macular degeneration and no experimental evidence demonstrating its impact on protein function have been reported. ClinVar contains an entry for this variant (Variation ID: 330275). Based on the evidence outlined above, the variant was classified as likely benign.

CeGaT Center for Human Genetics Tuebingen
Classification: Likely benign. Last evaluated: 2021-07-01. Review status: criteria provided, single submitter. Criteria: CeGaT Center For Human Genetics Tuebingen Variant Classification Criteria Version 2. Collection method: clinical testing. Allele origin: germline. Affected: yes. Observed: 1 variant allele.

Illumina Laboratory Services, Illumina
Classification: Likely benign for Age related macular degeneration 9. Last evaluated: 2018-01-13. Review status: criteria provided, single submitter. Criteria: ICSL Variant Classification Criteria 13 December 2019. Collection method: clinical testing. Allele origin: germline.
Comment: This variant was observed in the ICSL laboratory as part of a predisposition screen in an ostensibly healthy population. It had not been previously curated by ICSL or reported in the Human Gene Mutation Database (HGMD: prior to June 1st, 2018), and was therefore a candidate for classification through an automated scoring system. Utilizing variant allele frequency, disease prevalence and penetrance estimates, and inheritance mode, an automated score was calculated to assess if this variant is too frequent to cause the disease. Based on the score and internal cut-off values, a variant classified as likely benign is not then subjected to further curation. The score for this variant resulted in a classification of likely benign for this disease.

Illumina Laboratory Services, Illumina
Classification: Benign for Atypical hemolytic-uremic syndrome with C3 anomaly. Last evaluated: 2018-01-13. Review status: criteria provided, single submitter. Criteria: ICSL Variant Classification Criteria 13 December 2019. Collection method: clinical testing. Allele origin: germline.
Comment: This variant was observed in the ICSL laboratory as part of a predisposition screen in an ostensibly healthy population. It had not been previously curated by ICSL or reported in the Human Gene Mutation Database (HGMD: prior to June 1st, 2018), and was therefore a candidate for classification through an automated scoring system. Utilizing variant allele frequency, disease prevalence and penetrance estimates, and inheritance mode, an automated score was calculated to assess if this variant is too frequent to cause the disease. Based on the score and internal cut-off values, a variant classified as benign is not then subjected to further curation. The score for this variant resulted in a classification of benign for this disease.

Illumina Laboratory Services, Illumina
Classification: Uncertain significance for Complement component 3 deficiency. Last evaluated: 2018-01-13. Review status: criteria provided, single submitter. Criteria: ICSL Variant Classification Criteria 13 December 2019. Collection method: clinical testing. Allele origin: germline.